The following is an entry in ClinVar:

ClinVar aggregate classification (germline): Pathogenic (1 of 4 stars; one submission).

Conditions:
Intellectual developmental disorder with speech delay, autism, and dysmorphic facies. Identifiers: MedGen C5231456, MONDO:0032864, OMIM 618672.

Submission:

Cytogenetique et Genetique Moleculaire, CHU Besancon
Classification: Pathogenic for Intellectual developmental disorder with speech delay, autism, and dysmorphic facies. Last evaluated: 2023-08-13. Review status: criteria provided, single submitter. Criteria: ACMG Guidelines, 2015. Collection method: clinical testing. Allele origin: germline. Affected: yes.
Comment: The NM_014516.4:c.1395_1399dup variant is an frameshift variant in CNOT3 which is predicted to result in a premature stop codon, and likely results in an absent or disrupted protein product (PVS1). This variant is not present in gnomAD (PM2; v4.1.0). In summary, this variant meets criteria to be classified as pathogenic for CNOT3-related neurodevelopmental disorders based on the ACMG/AMP criteria applied (PVS1 PM2 PM6).

NM_014516.4(CNOT3):c.1395_1399dup (p.Ser467fs)

Gene: CNOT3 (CCR4-NOT transcription complex subunit 3; plus strand). Cytogenetic location: 19q13.42.
Variant type: Duplication.
Coding change: c.1395_1399dup on transcript NM_014516.4 (MANE Select); coding-DNA positions 1395 to 1399, 5 bases duplicated (TCCCA; older notation c.1395_1399dupTCCCA).
Protein change: p.Ser467fs; shifts the reading frame from serine 467.
Molecular consequence: frameshift variant.
Genome position (GRCh38, 1-based): chr19:54,148,732-54,148,736, TCCCA duplicated. VCF-style (leftmost placement, unchanged base first): chr19-54148731-C-CTCCCA. GRCh37 (hg19) VCF-style: chr19-54652466-C-CTCCCA.
Other names: short protein forms S467fs.
Identifiers: ClinVar variation 3387808 (VCV003387808.1).